The following is an entry in ClinVar:

NM_000136.3(FANCC):c.296A>G (p.Asn99Ser)

Gene: FANCC (FA complementation group C; minus strand). Cytogenetic location: 9q22.32.
Variant type: single nucleotide variant.
Coding change: c.296A>G on transcript NM_000136.3 (MANE Select); coding-DNA position 296, A replaced by G.
Protein change: p.Asn99Ser; replaces asparagine 99 with serine.
Molecular consequence: missense variant.
Genome position (GRCh38, 1-based): chr9:95,240,698, T>C on the plus strand (A>G on the coding strand, the complement: FANCC is on the minus strand). VCF-style: chr9-95240698-T-C. GRCh37 (hg19) VCF-style: chr9-98002980-T-C.
Other names: c.296A>G, p.Asn99Ser (NM_001243743.2, NM_001243744.2); short protein forms N99S.
Identifiers: ClinVar variation 3230379 (VCV003230379.1), dbSNP rs1830583350, ClinGen allele CA374339350.

ClinVar aggregate classification (germline): Uncertain significance (1 of 4 stars; one submission).

Conditions:
Hereditary cancer-predisposing syndrome. Also called: Neoplastic Syndromes, Hereditary; Tumor predisposition; Hereditary neoplastic syndrome; Hereditary Cancer Syndrome. Identifiers: Orphanet 140162, MedGen C0027672, MeSH D009386, MONDO:0015356.

gnomAD v4.1: 2 of 1,613,448 alleles (0.00012%); highest among the groups gnomAD compares: Non-Finnish European, 0.00017%; no homozygotes.

Submission:

Ambry Genetics
Classification: Uncertain significance for Hereditary cancer-predisposing syndrome. Last evaluated: 2024-01-23. Review status: criteria provided, single submitter. Criteria: Ambry Variant Classification Scheme 2023. Collection method: clinical testing. Allele origin: germline.
Comment: The p.N99S variant (also known as c.296A>G), located in coding exon 3 of the FANCC gene, results from an A to G substitution at nucleotide position 296. The asparagine at codon 99 is replaced by serine, an amino acid with highly similar properties. This amino acid position is not well conserved in available vertebrate species. In addition, this alteration is predicted to be tolerated by in silico analysis. Based on the available evidence, the clinical significance of this alteration remains unclear.